The following is an entry in ClinVar:

ClinVar aggregate classification (germline): Uncertain significance (1 of 4 stars; one submission).

gnomAD v4.1: 2 of 1,614,176 alleles (0.00012%); no homozygotes.

Submission:

Labcorp Genetics (formerly Invitae), Labcorp
Classification: Uncertain significance. Last evaluated: 2022-02-13. Review status: criteria provided, single submitter. Criteria: Invitae Variant Classification Sherloc (09022015). Collection method: clinical testing. Allele origin: germline.
Comment: This sequence change replaces leucine, which is neutral and non-polar, with valine, which is neutral and non-polar, at codon 967 of the TRPM1 protein (p.Leu967Val). This variant is not present in population databases (gnomAD no frequency). This variant has not been reported in the literature in individuals affected with TRPM1-related conditions. Algorithms developed to predict the effect of missense changes on protein structure and function are either unavailable or do not agree on the potential impact of this missense change (SIFT: "Tolerated"; PolyPhen-2: "Probably Damaging"; Align-GVGD: "Class C0"). In summary, the available evidence is currently insufficient to determine the role of this variant in disease. Therefore, it has been classified as a Variant of Uncertain Significance.

NM_001252024.2(TRPM1):c.2965C>G (p.Leu989Val)

Genes: TRPM1 (transient receptor potential cation channel subfamily M member 1; minus strand), TRPM1-AS1 (TRPM1 antisense RNA 1; plus strand). Cytogenetic location: 15q13.3.
Variant type: single nucleotide variant.
Coding change: c.2965C>G on transcript NM_001252024.2 (MANE Select); coding-DNA position 2965, C replaced by G.
Protein change: p.Leu989Val; replaces leucine 989 with valine.
Molecular consequence: missense variant.
Genome position (GRCh38, 1-based): chr15:31,031,145, G>C on the plus strand (C>G on the coding strand, the complement: TRPM1 is on the minus strand). VCF-style: chr15-31031145-G-C. GRCh37 (hg19) VCF-style: chr15-31323348-G-C.
Other names: c.3016C>G, p.Leu1006Val (NM_001252020.2); c.2899C>G, p.Leu967Val (NM_002420.6); short protein forms L1006V, L989V, L967V.
Identifiers: ClinVar variation 2065681 (VCV002065681.1), dbSNP rs2033054081, ClinGen allele CA391545082.